The following is an entry in ClinVar:

ClinVar aggregate classification (germline): Benign/Likely benign. Review status: criteria provided, multiple submitters, no conflicts (2 of 4 stars). 2 submissions from 2 submitters: Benign (1); Likely benign (1). Last evaluated 2024-11-12.

Conditions:
Renal cell carcinoma. Identifiers: Orphanet 217071, MedGen C0007134, MeSH D002292, MONDO:0005086, HP:0005584.
Papillary renal cell carcinoma type 1 (RCCP1). Also called: RENAL CELL CARCINOMA, PAPILLARY, 1, SOMATIC; Renal adenocarcinoma; Renal cell carcinoma 1; Renal cell carcinoma, somatic. Identifiers: Orphanet 47044, MedGen C1336839, OMIM 605074, HP:0011797.

Submissions (2):

Myriad Genetics, Inc.
Classification: Benign for Papillary renal cell carcinoma type 1. Last evaluated: 2024-11-12. Review status: criteria provided, single submitter. Criteria: Myriad Autosomal Dominant, Autosomal Recessive and X-Linked Classification Criteria (2023). Collection method: clinical testing. Allele origin: unknown.
Comment: This variant is considered benign. This variant is a silent/synonymous amino acid change and it is not expected to impact splicing.

Labcorp Genetics (formerly Invitae), Labcorp
Classification: Likely benign for Renal cell carcinoma. Last evaluated: 2022-02-20. Review status: criteria provided, single submitter. Criteria: Invitae Variant Classification Sherloc (09022015). Collection method: clinical testing. Allele origin: germline.

NM_000245.4(MET):c.3060A>T (p.Ser1020=)

Gene: MET (MET proto-oncogene, receptor tyrosine kinase; plus strand). Cytogenetic location: 7q31.2.
Variant type: single nucleotide variant.
Coding change: c.3060A>T on transcript NM_000245.4 (MANE Select); coding-DNA position 3060, A replaced by T.
Protein change: p.Ser1020=; no amino-acid change (serine 1020 retained).
Molecular consequence: synonymous variant.
Genome position (GRCh38, 1-based): chr7:116,774,912, A>T. VCF-style: chr7-116774912-A-T. GRCh37 (hg19) VCF-style: chr7-116414966-A-T.
Other names: c.3114A>T, p.Ser1038= (NM_001127500.3); c.1770A>T, p.Ser590= (NM_001324402.2).
Identifiers: ClinVar variation 2181846 (VCV002181846.5), dbSNP rs2117029833, ClinGen allele CA457218346.